The following is an entry in ClinVar:

ClinVar aggregate classification (germline): Conflicting classifications of pathogenicity. Review status: criteria provided, conflicting classifications (1 of 4 stars). 3 submissions from 3 submitters: Uncertain significance (2); Likely benign (1). Last evaluated 2026-02-03.

Conditions:
Hereditary cancer-predisposing syndrome. Also called: Neoplastic Syndromes, Hereditary; Hereditary neoplastic syndrome; Tumor predisposition; Hereditary Cancer Syndrome. Identifiers: Orphanet 140162, MedGen C0027672, MeSH D009386, MONDO:0015356.
Patterned macular dystrophy 2. Identifiers: Orphanet 99001, MedGen C1837029, MONDO:0012162, OMIM 608970.

Allele frequency attached by ClinVar (database versions not stated): gnomAD exomes below 0.00001.
gnomAD v4.1: 2 of 1,589,418 alleles (0.00013%); highest among the groups gnomAD compares: Non-Finnish European, 0.000085%; no homozygotes.

Submissions (3):

Ambry Genetics
Classification: Uncertain significance for Hereditary cancer-predisposing syndrome. Last evaluated: 2026-02-03. Review status: criteria provided, single submitter. Criteria: Ambry Variant Classification Scheme 2023. Collection method: clinical testing. Allele origin: germline.
Comment: The c.1143+4A>G intronic variant results from an A to G substitution 4 nucleotides after coding exon 7 in the CTNNA1 gene. This nucleotide position is well conserved in available vertebrate species. In silico splice site analysis predicts that this alteration will not have any significant effect on splicing. Based on the available evidence, the clinical significance of this variant remains unclear.

Labcorp Genetics (formerly Invitae), Labcorp
Classification: Likely benign. Last evaluated: 2025-11-26. Review status: criteria provided, single submitter. Criteria: Invitae Variant Classification Sherloc (09022015). Collection method: clinical testing. Allele origin: germline.

Department of Pathology and Laboratory Medicine, Sinai Health System
Classification: Uncertain significance for Patterned macular dystrophy 2. Last evaluated: 2022-12-21. Review status: criteria provided, single submitter. Criteria: ACMG Guidelines, 2015. Collection method: clinical testing. Allele origin: germline. Affected: yes.

NM_001903.5(CTNNA1):c.1143+4A>G

Gene: CTNNA1 (catenin alpha 1; plus strand). Cytogenetic location: 5q31.2.
Variant type: single nucleotide variant.
Coding change: c.1143+4A>G on transcript NM_001903.5 (MANE Select); 4 bases into the intron after coding-DNA position 1143, A replaced by G.
Molecular consequence: intron variant.
Genome position (GRCh38, 1-based): chr5:138,886,296, A>G. VCF-style: chr5-138886296-A-G. GRCh37 (hg19) VCF-style: chr5-138221985-A-G.
Other names: c.1143+4A>G (NM_001323982.2, NM_001323984.2, NM_001290307.3 and 3 more transcripts); c.774+4A>G (NM_001290310.3); c.834+4A>G (NM_001290309.3); c.33+4A>G (NM_001323996.1, NM_001323993.1, NM_001324005.1 and 18 more transcripts); c.-365+4A>G (NM_001324007.1, NM_001324009.1, NM_001324006.1 and 1 more transcripts); c.-240+4A>G (NM_001324013.1); c.-58+10699A>G (NM_001324012.1); c.-61+10699A>G (NM_001324010.1).
Identifiers: ClinVar variation 648448 (VCV000648448.13), dbSNP rs1382437273, ClinGen allele CA563298818.